The following is an entry in ClinVar:

ClinVar aggregate classification (germline): Pathogenic. Review status: criteria provided, multiple submitters, no conflicts (2 of 4 stars). 2 submissions from 2 submitters: Pathogenic (2). Last evaluated 2026-01-30.

Conditions:
Familial cancer of breast. Also called: BREAST CANCER, FAMILIAL; Hereditary breast cancer; hereditary breast carcinoma. Identifiers: Orphanet 227535, MedGen C0346153, MONDO:0016419, OMIM 114480. Disease mechanism: loss of function.
Hereditary cancer-predisposing syndrome. Also called: Neoplastic Syndromes, Hereditary; Tumor predisposition; Hereditary neoplastic syndrome; Hereditary Cancer Syndrome. Identifiers: Orphanet 140162, MedGen C0027672, MeSH D009386, MONDO:0015356.

gnomAD v4.1: 1 of 1,614,054 alleles (0.000062%); highest among the groups gnomAD compares: Non-Finnish European, 0.000085%; no homozygotes.

Submissions (2):

Myriad Genetics, Inc.
Classification: Pathogenic for Familial cancer of breast. Last evaluated: 2026-01-30. Review status: criteria provided, single submitter. Criteria: Myriad Autosomal Dominant, Autosomal Recessive and X-Linked Classification Criteria (2023). Collection method: clinical testing. Allele origin: unknown.
Comment: This variant is considered pathogenic. This variant creates a termination codon and is predicted to result in premature protein truncation.

Ambry Genetics
Classification: Pathogenic for Hereditary cancer-predisposing syndrome. Last evaluated: 2025-12-23. Review status: criteria provided, single submitter. Criteria: Ambry Variant Classification Scheme 2023. Collection method: clinical testing. Allele origin: germline.
Comment: The p.Q552* pathogenic mutation (also known as c.1654C>T), located in coding exon 4 of the PALB2 gene, results from a C to T substitution at nucleotide position 1654. This changes the amino acid from a glutamine to a stop codon within coding exon 4. This variant is considered to be rare based on population cohorts in the Genome Aggregation Database (gnomAD). This alteration is expected to result in loss of function by premature protein truncation or nonsense-mediated mRNA decay. As such, this alteration is interpreted as a disease-causing mutation.

NM_024675.4(PALB2):c.1654C>T (p.Gln552Ter)

Gene: PALB2 (partner and localizer of BRCA2; minus strand). Cytogenetic location: 16p12.2.
Variant type: single nucleotide variant.
Coding change: c.1654C>T on transcript NM_024675.4 (MANE Select); coding-DNA position 1654, C replaced by T.
Protein change: p.Gln552Ter; replaces glutamine 552 with a stop codon.
Molecular consequence: nonsense. On other transcripts: intron variant (3).
Genome position (GRCh38, 1-based): chr16:23,634,892, G>A on the plus strand (C>T on the coding strand, the complement: PALB2 is on the minus strand). VCF-style: chr16-23634892-G-A. GRCh37 (hg19) VCF-style: chr16-23646213-G-A.
Other names: c.1594C>T, p.Gln532Ter (NM_001407296.1); c.1654C>T, p.Gln552Ter (NM_001407297.1, NM_001407298.1, NM_001407299.1 and 3 more transcripts); c.769C>T, p.Gln257Ter (NM_001407304.1, NM_001407305.1, NM_001407306.1 and 5 more transcripts); c.49-5617C>T (NM_001407314.1); c.-104-4423C>T (NM_001407313.1, NM_001407312.1); short protein forms Q532*, Q257*, Q552*.
Identifiers: ClinVar variation 4841302 (VCV004841302.2).
Genomic context (GRCh38, chr16:23,634,892, plus strand): 5'-ATCATCATCATCAAACACATCTTGATTTACCTTTCACTTGAATAAATAATTTTTCGTGCT[G>A]ATATTTGTGTGAGGTGACTTCTTCCTTGGACCTGTTAACAATCGACAGGCTAGAAGTTGG-3'